The following is an entry in ClinVar:

NM_001039396.2(MPEG1):c.357C>G (p.Leu119=)

Gene: MPEG1 (macrophage expressed 1; minus strand). Cytogenetic location: 11q12.1.
Variant type: single nucleotide variant.
Coding change: c.357C>G on transcript NM_001039396.2 (MANE Select); coding-DNA position 357, C replaced by G.
Protein change: p.Leu119=; no amino-acid change (leucine 119 retained).
Molecular consequence: synonymous variant.
Genome position (GRCh38, 1-based): chr11:59,212,509, G>C on the plus strand (C>G on the coding strand, the complement: MPEG1 is on the minus strand). VCF-style: chr11-59212509-G-C. GRCh37 (hg19) VCF-style: chr11-58979982-G-C.
Identifiers: ClinVar variation 2641811 (VCV002641811.24), dbSNP rs982236204, ClinGen allele CA223177038.

ClinVar aggregate classification (germline): Likely benign (1 of 4 stars; one submission).

Allele frequency attached by ClinVar (database versions not stated): gnomAD exomes below 0.00001; gnomAD 0.00004; TOPMed 0.00004.
gnomAD v4.1: 10 of 1,614,088 alleles (0.00062%); highest among the groups gnomAD compares: African/African-American, 0.013%; no homozygotes.

Submission:

CeGaT Center for Human Genetics Tuebingen
Classification: Likely benign. Last evaluated: 2023-03-01. Review status: criteria provided, single submitter. Criteria: CeGaT Center For Human Genetics Tuebingen Variant Classification Criteria Version 2. Collection method: clinical testing. Allele origin: germline. Affected: yes. Observed: 1 variant allele.
Comment: MPEG1: BP4, BP7